The following is an entry in ClinVar:

ClinVar aggregate classification (germline): Uncertain significance (1 of 4 stars; one submission).

Conditions:
Hereditary cancer-predisposing syndrome. Also called: Hereditary Cancer Syndrome; Neoplastic Syndromes, Hereditary; Tumor predisposition; Hereditary neoplastic syndrome. Identifiers: Orphanet 140162, MedGen C0027672, MeSH D009386, MONDO:0015356.

Submission:

Ambry Genetics
Classification: Uncertain significance for Hereditary cancer-predisposing syndrome. Last evaluated: 2021-04-27. Review status: criteria provided, single submitter. Criteria: Ambry Variant Classification Scheme 2023. Collection method: clinical testing. Allele origin: germline.
Comment: The p.D397E variant (also known as c.1191T>A), located in coding exon 12 of the BAP1 gene, results from a T to A substitution at nucleotide position 1191. The aspartic acid at codon 397 is replaced by glutamic acid, an amino acid with highly similar properties. This amino acid position is highly conserved in available vertebrate species. In addition, this alteration is predicted to be tolerated by in silico analysis. Since supporting evidence is limited at this time, the clinical significance of this alteration remains unclear.

NM_004656.4(BAP1):c.1191T>A (p.Asp397Glu)

Gene: BAP1 (BRCA1 associated deubiquitinase 1; minus strand). Cytogenetic location: 3p21.1.
Variant type: single nucleotide variant.
Coding change: c.1191T>A on transcript NM_004656.4 (MANE Select); coding-DNA position 1191, T replaced by A.
Protein change: p.Asp397Glu; replaces aspartic acid 397 with glutamic acid.
Molecular consequence: missense variant.
Genome position (GRCh38, 1-based): chr3:52,404,512, A>T on the plus strand (T>A on the coding strand, the complement: BAP1 is on the minus strand). VCF-style: chr3-52404512-A-T. GRCh37 (hg19) VCF-style: chr3-52438528-A-T.
Other names: c.1137T>A, p.Asp379Glu (NM_001410772.1); short protein forms D379E, D397E.
Identifiers: ClinVar variation 1745115 (VCV001745115.2), dbSNP rs1273468859, ClinGen allele CA353103086.